The following is an entry in ClinVar:

ClinVar aggregate classification (germline): Uncertain significance. Review status: criteria provided, multiple submitters, no conflicts (2 of 4 stars). 3 submissions from 3 submitters: Uncertain significance (3). Last evaluated 2024-04-02.

Conditions:
Acrocallosal syndrome (ACLS). Also called: Schinzel syndrome 1; Absence of corpus callosum with unusual facial appearance, mental deficiency, duplication of the halluces and polydactyly; HALLUX DUPLICATION, POSTAXIAL POLYDACTYLY, AND ABSENCE OF CORPUS CALLOSUM. Identifiers: Orphanet 36, MedGen C0796147, MONDO:0008708, OMIM 200990.
Multiple epiphyseal dysplasia, Al-Gazali type. Also called: Macrocephaly with multiple epiphyseal dysplasia and distinctive facies. Identifiers: Orphanet 166024, MedGen C1846722, MONDO:0011778, OMIM 607131.
Hydrolethalus syndrome 2 (HLS2). Identifiers: Orphanet 2189, MedGen C3279899, MONDO:0013585, OMIM 614120.
Inborn genetic diseases. Identifiers: MedGen C0950123, MeSH D030342.

Allele frequency attached by ClinVar (database versions not stated): gnomAD 0.00002; TOPMed 0.00002; ExAC 0.00003; gnomAD exomes 0.00011.
gnomAD v4.1: 155 of 1,612,456 alleles (0.0096%); highest among the groups gnomAD compares: Non-Finnish European, 0.013%; no homozygotes.

Submissions (3):

Fulgent Genetics
Classification: Uncertain significance for Acrocallosal syndrome; Multiple epiphyseal dysplasia, Al-Gazali type; Hydrolethalus syndrome 2. Last evaluated: 2024-04-02. Review status: criteria provided, single submitter. Criteria: ACMG Guidelines, 2015. Collection method: clinical testing. Allele origin: germline.

Labcorp Genetics (formerly Invitae), Labcorp
Classification: Uncertain significance for Acrocallosal syndrome. Last evaluated: 2022-05-27. Review status: criteria provided, single submitter. Criteria: Invitae Variant Classification Sherloc (09022015). Collection method: clinical testing. Allele origin: germline.
Comment: This sequence change replaces alanine, which is neutral and non-polar, with valine, which is neutral and non-polar, at codon 1235 of the KIF7 protein (p.Ala1235Val). This variant is present in population databases (rs767690124, gnomAD 0.007%). This variant has not been reported in the literature in individuals affected with KIF7-related conditions. Algorithms developed to predict the effect of missense changes on protein structure and function output the following: SIFT: "Tolerated"; PolyPhen-2: "Benign"; Align-GVGD: "Class C0". The valine amino acid residue is found in multiple mammalian species, which suggests that this missense change does not adversely affect protein function. Algorithms developed to predict the effect of sequence changes on RNA splicing suggest that this variant may create or strengthen a splice site. In summary, the available evidence is currently insufficient to determine the role of this variant in disease. Therefore, it has been classified as a Variant of Uncertain Significance.

Ambry Genetics
Classification: Uncertain significance for Inborn genetic diseases. Last evaluated: 2021-06-25. Review status: criteria provided, single submitter. Criteria: Ambry Variant Classification Scheme 2023. Collection method: clinical testing. Allele origin: germline.

NM_198525.3(KIF7):c.3704C>T (p.Ala1235Val)

Gene: KIF7 (kinesin family member 7; minus strand). Cytogenetic location: 15q26.1.
Variant type: single nucleotide variant.
Coding change: c.3704C>T on transcript NM_198525.3 (MANE Select); coding-DNA position 3704, C replaced by T.
Protein change: p.Ala1235Val; replaces alanine 1235 with valine.
Molecular consequence: missense variant.
Genome position (GRCh38, 1-based): chr15:89,628,747, G>A on the plus strand (C>T on the coding strand, the complement: KIF7 is on the minus strand). VCF-style: chr15-89628747-G-A. GRCh37 (hg19) VCF-style: chr15-90171978-G-A.
Other names: c.3704C>T (NM_198525.2); short protein forms A1235V.
Identifiers: ClinVar variation 2037291 (VCV002037291.3), dbSNP rs767690124, ClinGen allele CA7727569.